The following is an entry in ClinVar:

NM_001365276.2(TNXB):c.9808G>T (p.Val3270Leu)

Gene: TNXB (tenascin XB; minus strand). Cytogenetic location: 6p21.33.
Variant type: single nucleotide variant.
Coding change: c.9808G>T on transcript NM_001365276.2 (MANE Select); coding-DNA position 9808, G replaced by T.
Protein change: p.Val3270Leu; replaces valine 3270 with leucine.
Molecular consequence: missense variant.
Genome position (GRCh38, 1-based): chr6:32,048,600, C>A on the plus strand (G>T on the coding strand, the complement: TNXB is on the minus strand). VCF-style: chr6-32048600-C-A. GRCh37 (hg19) VCF-style: chr6-32016377-C-A.
Other names: c.9802G>T, p.Val3268Leu (NM_019105.8); short protein forms V3268L, V3270L.
Identifiers: ClinVar variation 3327888 (VCV003327888.1).

ClinVar aggregate classification (germline): Uncertain significance (1 of 4 stars; one submission).

Conditions:
Cardiovascular phenotype. Identifiers: MedGen CN230736.

gnomAD v4.1: 6 of 1,534,690 alleles (0.00039%); highest among the groups gnomAD compares: Non-Finnish European, 0.00053%; no homozygotes.

Submission:

Ambry Genetics
Classification: Uncertain significance for Cardiovascular phenotype. Last evaluated: 2024-04-13. Review status: criteria provided, single submitter. Criteria: Ambry Variant Classification Scheme 2023. Collection method: clinical testing. Allele origin: germline.
Comment: The p.V3268L variant (also known as c.9802G>T), located in coding exon 28 of the TNXB gene, results from a G to T substitution at nucleotide position 9802. The valine at codon 3268 is replaced by leucine, an amino acid with highly similar properties. This amino acid position is conserved. In addition, this alteration is predicted to be tolerated by in silico analysis. Based on the available evidence, the clinical significance of this variant remains unclear.